The following is an entry in ClinVar:

NM_014629.4(ARHGEF10):c.1769G>A (p.Arg590His)

Gene: ARHGEF10 (Rho guanine nucleotide exchange factor 10; plus strand). Cytogenetic location: 8p23.3.
Variant type: single nucleotide variant.
Coding change: c.1769G>A on transcript NM_014629.4 (MANE Select); coding-DNA position 1769, G replaced by A.
Protein change: p.Arg590His; replaces arginine 590 with histidine.
Molecular consequence: missense variant.
Genome position (GRCh38, 1-based): chr8:1,903,399, G>A. VCF-style: chr8-1903399-G-A. GRCh37 (hg19) VCF-style: chr8-1851565-G-A.
Other names: c.1655G>A, p.Arg552His (NM_001438094.1, NM_001308152.2); c.1769G>A, p.Arg590His (NM_001308153.3); c.1772G>A, p.Arg591His (NM_001438091.1); c.1652G>A, p.Arg551His (NM_001438092.1, NM_001438093.1); short protein forms R551H, R552H, R590H, R591H, R614H.
Identifiers: ClinVar variation 4847983 (VCV004847983.1).

ClinVar aggregate classification (germline): Uncertain significance (1 of 4 stars; one submission).

gnomAD v4.1: 18 of 1,614,088 alleles (0.0011%); highest among the groups gnomAD compares: Admixed American, 0.0067%; no homozygotes.

Submission:

Women's Health and Genetics/Laboratory Corporation of America, LabCorp
Classification: Uncertain significance. Last evaluated: 2026-02-09. Review status: criteria provided, single submitter. Criteria: LabCorp Variant Classification Summary - May 2015. Collection method: clinical testing. Allele origin: germline.
Comment: Variant summary: ARHGEF10 c.1769G>A (p.Arg590His) results in a non-conservative amino acid change in the encoded protein sequence. Algorithms developed to predict the effect of missense changes on protein structure and function are either unavailable or do not agree on the potential impact of this missense change. The variant allele was found at a frequency of 2.4e-05 in 251470 control chromosomes. The available data on variant occurrences in the general population are insufficient to allow any conclusion about variant significance. To our knowledge, no occurrence of c.1769G>A in individuals affected with ARHGEF10-related conditions and no experimental evidence demonstrating its impact on protein function have been reported. No submitters have cited clinical-significance assessments for this variant to ClinVar. Based on the evidence outlined above, the variant was classified as uncertain significance.